The following is an entry in ClinVar:

NM_000465.4(BARD1):c.1039T>C (p.Phe347Leu)

Gene: BARD1 (BRCA1 associated RING domain 1; minus strand). Cytogenetic location: 2q35.
Variant type: single nucleotide variant.
Coding change: c.1039T>C on transcript NM_000465.4 (MANE Select); coding-DNA position 1039, T replaced by C.
Protein change: p.Phe347Leu; replaces phenylalanine 347 with leucine.
Molecular consequence: missense variant. On other transcripts: non-coding transcript variant (2), intron variant (3).
Genome position (GRCh38, 1-based): chr2:214,780,835, A>G on the plus strand (T>C on the coding strand, the complement: BARD1 is on the minus strand). VCF-style: chr2-214780835-A-G. GRCh37 (hg19) VCF-style: chr2-215645559-A-G.
Other names: c.982T>C, p.Phe328Leu (NM_001282543.2); c.159-28280T>C (NM_001282548.2); c.215+16226T>C (NM_001282545.2); c.364+11462T>C (NM_001282549.2); c.1039T>C (NM_000465.2); short protein forms F328L, F347L.
Identifiers: ClinVar variation 1039385 (VCV001039385.10), dbSNP rs1694968070, ClinGen allele CA350454218.

ClinVar aggregate classification (germline): Uncertain significance. Review status: criteria provided, multiple submitters, no conflicts (2 of 4 stars). 2 submissions from 2 submitters: Uncertain significance (2). Last evaluated 2026-02-16.

Conditions:
Familial cancer of breast. Also called: BREAST CANCER, FAMILIAL; hereditary breast carcinoma; Hereditary breast cancer. Identifiers: Orphanet 227535, MedGen C0346153, MONDO:0016419, OMIM 114480. Disease mechanism: loss of function.
Hereditary cancer-predisposing syndrome. Also called: Hereditary Cancer Syndrome; Neoplastic Syndromes, Hereditary; Tumor predisposition; Hereditary neoplastic syndrome. Identifiers: Orphanet 140162, MedGen C0027672, MeSH D009386, MONDO:0015356.

Allele frequency attached by ClinVar (database versions not stated): gnomAD 0.00001.

Submissions (2):

Ambry Genetics
Classification: Uncertain significance for Hereditary cancer-predisposing syndrome. Last evaluated: 2026-02-16. Review status: criteria provided, single submitter. Criteria: Ambry Variant Classification Scheme 2023. Collection method: clinical testing. Allele origin: germline.
Comment: The p.F347L variant (also known as c.1039T>C), located in coding exon 4 of the BARD1 gene, results from a T to C substitution at nucleotide position 1039. The phenylalanine at codon 347 is replaced by leucine, an amino acid with highly similar properties. This amino acid position is conserved. In addition, this alteration is predicted to be tolerated by in silico analysis. Based on the available evidence, the clinical significance of this variant remains unclear.

Labcorp Genetics (formerly Invitae), Labcorp
Classification: Uncertain significance for Familial cancer of breast. Last evaluated: 2025-03-09. Review status: criteria provided, single submitter. Criteria: Invitae Variant Classification Sherloc (09022015). Collection method: clinical testing. Allele origin: germline.
Comment: This sequence change replaces phenylalanine, which is neutral and non-polar, with leucine, which is neutral and non-polar, at codon 347 of the BARD1 protein (p.Phe347Leu). This variant is not present in population databases (gnomAD no frequency). This variant has not been reported in the literature in individuals affected with BARD1-related conditions. ClinVar contains an entry for this variant (Variation ID: 1039385). An algorithm developed to predict the effect of missense changes on protein structure and function outputs the following: PolyPhen-2: "Benign". The leucine amino acid residue is found in multiple mammalian species, which suggests that this missense change does not adversely affect protein function. In summary, the available evidence is currently insufficient to determine the role of this variant in disease. Therefore, it has been classified as a Variant of Uncertain Significance.